The following is an entry in ClinVar:

NM_001614.5(ACTG1):c.-32C>T

Gene: ACTG1 (actin gamma 1; minus strand). Cytogenetic location: 17q25.3.
Variant type: single nucleotide variant.
Coding change: c.-32C>T on transcript NM_001614.5 (MANE Select); 32 bases upstream of the start codon, C replaced by T.
Molecular consequence: 5 prime UTR variant. On other transcripts: non-coding transcript variant (1).
Genome position (GRCh38, 1-based): chr17:81,512,759, G>A on the plus strand (C>T on the coding strand, the complement: ACTG1 is on the minus strand). VCF-style: chr17-81512759-G-A. GRCh37 (hg19) VCF-style: chr17-79479785-G-A.
Other names: c.-151C>T (NM_001199954.3).
Identifiers: ClinVar variation 380473 (VCV000380473.1), dbSNP rs75739711, ClinGen allele CA8836502.

ClinVar aggregate classification (germline): Likely benign (1 of 4 stars; one submission).

Allele frequency attached by ClinVar (database versions not stated): ExAC 0.00034; 1000 Genomes Project 0.00060; gnomAD 0.00122; TOPMed 0.00173; 1000 Genomes Project 30x 0.00625.

Submission:

GeneDx
Classification: Likely benign. Last evaluated: 2017-01-16. Review status: criteria provided, single submitter. Criteria: GeneDx Variant Classification (06012015). Collection method: clinical testing. Allele origin: germline. Affected: yes.
Comment: This variant is considered likely benign or benign based on one or more of the following criteria: it is a conservative change, it occurs at a poorly conserved position in the protein, it is predicted to be benign by multiple in silico algorithms, and/or has population frequency not consistent with disease.